The following is an entry in ClinVar:

ClinVar aggregate classification (germline): Uncertain significance (1 of 4 stars; one submission).

Conditions:
Peroxisome biogenesis disorder 2B (PBD2B). Identifiers: Orphanet 44, MedGen C3550234, MONDO:0008736, OMIM 202370.

Allele frequency attached by ClinVar (database versions not stated): gnomAD exomes below 0.00001; TOPMed below 0.00001.
gnomAD v4.1: 4 of 1,614,122 alleles (0.00025%); highest among the groups gnomAD compares: Non-Finnish European, 0.00034%; no homozygotes.

Submission:

Labcorp Genetics (formerly Invitae), Labcorp
Classification: Uncertain significance for Peroxisome biogenesis disorder 2B. Last evaluated: 2021-11-19. Review status: criteria provided, single submitter. Criteria: Invitae Variant Classification Sherloc (09022015). Collection method: clinical testing. Allele origin: germline.
Comment: This sequence change replaces glutamic acid, which is acidic and polar, with lysine, which is basic and polar, at codon 416 of the PEX5 protein (p.Glu416Lys). This variant is not present in population databases (gnomAD no frequency). This variant has not been reported in the literature in individuals affected with PEX5-related conditions. Algorithms developed to predict the effect of missense changes on protein structure and function are either unavailable or do not agree on the potential impact of this missense change (SIFT: "Tolerated"; PolyPhen-2: "Probably Damaging"; Align-GVGD: "Class C0"). In summary, the available evidence is currently insufficient to determine the role of this variant in disease. Therefore, it has been classified as a Variant of Uncertain Significance.

NM_001351132.2(PEX5):c.1246G>A (p.Glu416Lys)

Gene: PEX5 (peroxisomal biogenesis factor 5; plus strand). Cytogenetic location: 12p13.31.
Variant type: single nucleotide variant.
Coding change: c.1246G>A on transcript NM_001351132.2 (MANE Select); coding-DNA position 1246, G replaced by A.
Protein change: p.Glu416Lys; replaces glutamic acid 416 with lysine.
Molecular consequence: missense variant.
Genome position (GRCh38, 1-based): chr12:7,208,521, G>A. VCF-style: chr12-7208521-G-A. GRCh37 (hg19) VCF-style: chr12-7361117-G-A.
Other names: c.1222G>A, p.Glu408Lys (NM_000319.5); c.1291G>A, p.Glu431Lys (NM_001131023.2); c.1135G>A, p.Glu379Lys (NM_001131024.2, NM_001351124.3, NM_001351126.2 and 7 more transcripts); c.1246G>A, p.Glu416Lys (NM_001131025.2, NM_001131026.2, NM_001300789.3 and 4 more transcripts); c.1180G>A, p.Glu394Lys (NM_001351135.3, NM_001351138.2); c.1237G>A, p.Glu413Lys (NM_001351136.2); c.1111G>A, p.Glu371Lys (NM_001351139.2, NM_001351140.2, NM_001374649.2); short protein forms E371K, E408K, E413K, E416K, E379K, E394K, E431K.
Identifiers: ClinVar variation 1362125 (VCV001362125.3), dbSNP rs1945105117, ClinGen allele CA383732843.